The following is an entry in ClinVar:

NM_001370298.3(FGD4):c.862G>A (p.Ala288Thr)

Gene: FGD4 (FYVE, RhoGEF and PH domain containing 4; plus strand). Cytogenetic location: 12p11.21.
Variant type: single nucleotide variant.
Coding change: c.862G>A on transcript NM_001370298.3 (MANE Select); coding-DNA position 862, G replaced by A.
Protein change: p.Ala288Thr; replaces alanine 288 with threonine.
Molecular consequence: missense variant. On other transcripts: 5 prime UTR variant (2), non-coding transcript variant (1), intron variant (1).
Genome position (GRCh38, 1-based): chr12:32,582,318, G>A. VCF-style: chr12-32582318-G-A. GRCh37 (hg19) VCF-style: chr12-32735252-G-A.
Other names: c.706G>A, p.Ala236Thr (NM_001304481.2); c.-394G>A (NM_001304483.2); c.-701G>A (NM_001304484.2); c.172G>A, p.Ala58Thr (NM_001330373.2, NM_001330374.2, NM_001384130.1); c.862G>A, p.Ala288Thr (NM_001384126.1); c.451G>A, p.Ala151Thr (NM_001384127.1, NM_001384128.1, NM_001384131.1 and 3 more transcripts); c.49-16179G>A (NM_001370297.1); short protein forms A151T, A288T, A58T, A236T.
Identifiers: ClinVar variation 2080538 (VCV002080538.4), dbSNP rs770149172, ClinGen allele CA6506636.

ClinVar aggregate classification (germline): Uncertain significance (1 of 4 stars; one submission).

Conditions:
Charcot-Marie-Tooth disease type 4. Also called: Charcot-Marie-Tooth, Type 4; Charcot-Marie-Tooth disease, type IV. Identifiers: Orphanet 64749, MedGen C4082197, MONDO:0018995.

Allele frequency attached by ClinVar (database versions not stated): ExAC 0.00001; gnomAD exomes 0.00001.
gnomAD v4.1: 15 of 1,614,216 alleles (0.00093%); highest among the groups gnomAD compares: Non-Finnish European, 0.0012%; no homozygotes.

Submission:

Labcorp Genetics (formerly Invitae), Labcorp
Classification: Uncertain significance for Charcot-Marie-Tooth disease type 4. Last evaluated: 2022-07-09. Review status: criteria provided, single submitter. Criteria: Invitae Variant Classification Sherloc (09022015). Collection method: clinical testing. Allele origin: germline.
Comment: In summary, the available evidence is currently insufficient to determine the role of this variant in disease. Therefore, it has been classified as a Variant of Uncertain Significance. Algorithms developed to predict the effect of missense changes on protein structure and function output the following: SIFT: "Deleterious"; PolyPhen-2: "Benign"; Align-GVGD: "Class C0". The threonine amino acid residue is found in multiple mammalian species, which suggests that this missense change does not adversely affect protein function. This variant has not been reported in the literature in individuals affected with FGD4-related conditions. This variant is present in population databases (rs770149172, gnomAD 0.0009%). This sequence change replaces alanine, which is neutral and non-polar, with threonine, which is neutral and polar, at codon 151 of the FGD4 protein (p.Ala151Thr).